The following is an entry in ClinVar:

ClinVar aggregate classification (germline): Pathogenic. Review status: criteria provided, multiple submitters, no conflicts (2 of 4 stars). 2 submissions from 2 submitters: Pathogenic (2). Last evaluated 2024-05-08.

Conditions:
Autosomal recessive limb-girdle muscular dystrophy. Identifiers: Orphanet 102015, MedGen C2931907, MONDO:0015152.

Submissions (2):

Myriad Genetics, Inc.
Classification: Pathogenic for Autosomal recessive limb-girdle muscular dystrophy. Last evaluated: 2024-05-08. Review status: criteria provided, single submitter. Criteria: Myriad Autosomal Dominant, Autosomal Recessive and X-Linked Classification Criteria (2023). Collection method: clinical testing. Allele origin: unknown.
Comment: NM_003494.3(DYSF):c.4726C>T(Q1576*) is expected to be pathogenic in the context of dysferlinopathy. This variant is predicted to lead to an abnormal or absent protein product due to the creation of a premature termination codon in DYSF, a gene where loss-of-function variants are known to be pathogenic. Please note: this variant was assessed in the context of healthy population screening.

Eurofins Ntd Llc (ga)
Classification: Pathogenic. Last evaluated: 2018-01-12. Review status: criteria provided, single submitter. Criteria: EGL Classification Definitions 2015. Collection method: clinical testing. Allele origin: germline. Observed: 1 variant allele, 1 heterozygote.

NM_001130987.2(DYSF):c.4843C>T (p.Gln1615Ter)

Gene: DYSF (dysferlin; plus strand). Cytogenetic location: 2p13.2.
Variant type: single nucleotide variant.
Coding change: c.4843C>T on transcript NM_001130987.2 (MANE Select); coding-DNA position 4843, C replaced by T.
Protein change: p.Gln1615Ter; replaces glutamine 1615 with a stop codon.
Molecular consequence: nonsense.
Genome position (GRCh38, 1-based): chr2:71,658,965, C>T. VCF-style: chr2-71658965-C-T. GRCh37 (hg19) VCF-style: chr2-71886095-C-T.
Other names: c.4822C>T, p.Gln1608Ter (NM_001130982.2); c.4792C>T, p.Gln1598Ter (NM_001130983.2); c.4750C>T, p.Gln1584Ter (NM_001130984.2); c.4780C>T, p.Gln1594Ter (NM_001130985.2); c.4687C>T, p.Gln1563Ter (NM_001130986.2); c.4726C>T, p.Gln1576Ter (NM_003494.4); c.4729C>T, p.Gln1577Ter (NM_001130455.2); c.4684C>T, p.Gln1562Ter (NM_001130976.2); and 5 more; short protein forms Q1615*, Q1576*, Q1577*, Q1593*, Q1598*, Q1614*, Q1563*, Q1584*.
Identifiers: ClinVar variation 595745 (VCV000595745.6), dbSNP rs1163488527, ClinGen allele CA347219780.